The following is an entry in ClinVar:

ClinVar aggregate classification (germline): Uncertain significance (0 of 4 stars; one submission).

Conditions:
Deficiency of 2-methylbutyryl-CoA dehydrogenase (ACADSB). Also called: 2-methylbutyrylglycinuria; 2-methylbutyryl-CoA dehydrogenase deficiency; SBCAD deficiency; 2-methylbutyric aciduria; Short branched-chain acyl-CoA dehydrogenase deficiency. Identifiers: Orphanet 79157, MedGen C1864912, MONDO:0012392, OMIM 610006, HP:0020147.

Allele frequency attached by ClinVar (database versions not stated): gnomAD exomes 0.00001.

Submission:

Neonatal Disease Screening Center, Medical Genetics Center, Huaihua City Maternal and Child Health Care Hospital
Classification: Uncertain significance for Deficiency of 2-methylbutyryl-CoA dehydrogenase. Review status: no assertion criteria provided. Criteria: ACMG Guidelines, 2015. Collection method: clinical testing. Allele origin: germline. Affected: yes. Observed: 1 variant allele.
Comment: PM2_P+PM3+PP3+PP4

NM_001609.4(ACADSB):c.1106T>A (p.Met369Lys)

Gene: ACADSB (acyl-CoA dehydrogenase short/branched chain; plus strand). Cytogenetic location: 10q26.13.
Variant type: single nucleotide variant.
Coding change: c.1106T>A on transcript NM_001609.4 (MANE Select); coding-DNA position 1106, T replaced by A.
Protein change: p.Met369Lys; replaces methionine 369 with lysine.
Molecular consequence: missense variant.
Genome position (GRCh38, 1-based): chr10:123,051,164, T>A. VCF-style: chr10-123051164-T-A. GRCh37 (hg19) VCF-style: chr10-124810680-T-A.
Other names: c.800T>A, p.Met267Lys (NM_001330174.3); short protein forms M267K, M369K.
Identifiers: ClinVar variation 3061793 (VCV003061793.2), dbSNP rs1203402864, ClinGen allele CA378622147.